The following is an entry in ClinVar:

NM_001376.5(DYNC1H1):c.2783G>A (p.Gly928Glu)

Gene: DYNC1H1 (dynein cytoplasmic 1 heavy chain 1; plus strand). Cytogenetic location: 14q32.31.
Variant type: single nucleotide variant.
Coding change: c.2783G>A on transcript NM_001376.5 (MANE Select); coding-DNA position 2783, G replaced by A.
Protein change: p.Gly928Glu; replaces glycine 928 with glutamic acid.
Molecular consequence: missense variant.
Genome position (GRCh38, 1-based): chr14:101,988,767, G>A. VCF-style: chr14-101988767-G-A. GRCh37 (hg19) VCF-style: chr14-102455104-G-A.
Other names: short protein forms G928E.
Identifiers: ClinVar variation 1310699 (VCV001310699.2), dbSNP rs2141276666, ClinGen allele CA391028595.

ClinVar aggregate classification (germline): Uncertain significance (1 of 4 stars; one submission).

Submission:

GeneDx
Classification: Uncertain significance. Last evaluated: 2020-01-07. Review status: criteria provided, single submitter. Criteria: GeneDx Variant Classification Process June 2021. Collection method: clinical testing. Allele origin: germline. Affected: yes.
Comment: Not observed in large population cohorts (Lek et al., 2016); In silico analysis, which includes protein predictors and evolutionary conservation, supports a deleterious effect; Has not been previously published as pathogenic or benign to our knowledge